The following is an entry in ClinVar:

ClinVar aggregate classification (germline): Conflicting classifications of pathogenicity. Review status: criteria provided, conflicting classifications (1 of 4 stars). 3 submissions from 3 submitters: Uncertain significance (2); Likely benign (1). Last evaluated 2026-03-12.

Allele frequency attached by ClinVar (database versions not stated): gnomAD exomes 0.00001 and 0.00003; ExAC 0.00003; ESP Exome Variant Server 0.00008; TOPMed 0.00008; gnomAD 0.00011; 1000 Genomes Project 30x 0.00016; 1000 Genomes Project 0.00020.
gnomAD v4.1: 36 of 1,613,942 alleles (0.0022%); highest among the groups gnomAD compares: African/African-American, 0.021%; 1 homozygote.

Submissions (3):

Women's Health and Genetics/Laboratory Corporation of America, LabCorp
Classification: Uncertain significance. Last evaluated: 2026-03-12. Review status: criteria provided, single submitter. Criteria: LabCorp Variant Classification Summary - May 2015. Collection method: clinical testing. Allele origin: germline.
Comment: Variant summary: MYO15A c.6581G>A (p.Arg2194Gln) results in a conservative amino acid change in the encoded protein sequence. Algorithms developed to predict the effect of missense changes on protein structure and function all suggest that this variant is likely to be tolerated. The variant allele was found at a frequency of 2.8e-05 in 249056 control chromosomes. The available data on variant occurrences in the general population are insufficient to allow any conclusion about variant significance. To our knowledge, no occurrence of c.6581G>A in individuals affected with MYO15A-related conditions and no experimental evidence demonstrating its impact on protein function have been reported. ClinVar contains an entry for this variant (Variation ID: 1350910). Based on the evidence outlined above, the variant was classified as uncertain significance.

Labcorp Genetics (formerly Invitae), Labcorp
Classification: Likely benign. Last evaluated: 2025-01-15. Review status: criteria provided, single submitter. Criteria: Invitae Variant Classification Sherloc (09022015). Collection method: clinical testing. Allele origin: germline.

GeneDx
Classification: Uncertain significance. Last evaluated: 2022-11-23. Review status: criteria provided, single submitter. Criteria: GeneDx Variant Classification Process June 2021. Collection method: clinical testing. Allele origin: germline. Affected: yes.
Comment: In silico analysis supports that this missense variant does not alter protein structure/function; Has not been previously published as pathogenic or benign to our knowledge

NM_016239.4(MYO15A):c.6581G>A (p.Arg2194Gln)

Gene: MYO15A (myosin XVA; plus strand). Cytogenetic location: 17p11.2.
Variant type: single nucleotide variant.
Coding change: c.6581G>A on transcript NM_016239.4 (MANE Select); coding-DNA position 6581, G replaced by A.
Protein change: p.Arg2194Gln; replaces arginine 2194 with glutamine.
Molecular consequence: missense variant.
Genome position (GRCh38, 1-based): chr17:18,148,100, G>A. VCF-style: chr17-18148100-G-A. GRCh37 (hg19) VCF-style: chr17-18051414-G-A.
Other names: short protein forms R2194Q.
Identifiers: ClinVar variation 1350910 (VCV001350910.8), dbSNP rs375638438, ClinGen allele CA8424627.